The following is an entry in ClinVar:

NM_000059.4(BRCA2):c.1465del (p.Ser489fs)

Gene: BRCA2 (BRCA2 DNA repair associated; plus strand). Cytogenetic location: 13q13.1.
Variant type: Deletion.
Coding change: c.1465del on transcript NM_000059.4 (MANE Select); coding-DNA position 1465, one base deleted (T; older notation c.1465delT).
Protein change: p.Ser489fs; shifts the reading frame from serine 489.
Molecular consequence: frameshift variant.
Genome position (GRCh38, 1-based): chr13:32,332,943, T deleted. VCF-style (leftmost placement, unchanged base first): chr13-32332942-AT-A. GRCh37 (hg19) VCF-style: chr13-32907079-AT-A.
Other names: short protein forms S489fs.
Identifiers: ClinVar variation 819188 (VCV000819188.9), dbSNP rs1593892953, ClinGen allele CA915946962.

ClinVar aggregate classification (germline): Pathogenic. Review status: criteria provided, multiple submitters, no conflicts (2 of 4 stars). 2 submissions from 2 submitters: Pathogenic (2). Last evaluated 2022-01-19.

Conditions:
Hereditary breast ovarian cancer syndrome. Also called: Hereditary breast and ovarian cancer syndrome (HBOC); Breast and ovarian cancer; BRCA1- and BRCA2-Associated Hereditary Breast and Ovarian Cancer; Hereditary breast and/or ovarian cancer syndrome; Hereditary breast and ovarian cancer syndrome; Hereditary breast and ovarian cancer. Identifiers: Orphanet 145, MedGen C0677776, MeSH D061325, MONDO:0003582. Disease mechanism: loss of function.
Hereditary cancer-predisposing syndrome. Also called: Tumor predisposition; Hereditary neoplastic syndrome; Neoplastic Syndromes, Hereditary; Hereditary Cancer Syndrome. Identifiers: Orphanet 140162, MedGen C0027672, MeSH D009386, MONDO:0015356.

Submissions (2):

Labcorp Genetics (formerly Invitae), Labcorp
Classification: Pathogenic for Hereditary breast ovarian cancer syndrome. Last evaluated: 2022-01-19. Review status: criteria provided, single submitter. Criteria: Invitae Variant Classification Sherloc (09022015). Collection method: clinical testing. Allele origin: germline.
Comment: For these reasons, this variant has been classified as Pathogenic. ClinVar contains an entry for this variant (Variation ID: 819188). This variant has not been reported in the literature in individuals affected with BRCA2-related conditions. This variant is not present in population databases (gnomAD no frequency). This sequence change creates a premature translational stop signal (p.Ser489Leufs*20) in the BRCA2 gene. It is expected to result in an absent or disrupted protein product. Loss-of-function variants in BRCA2 are known to be pathogenic (PMID: 20104584).

Ambry Genetics
Classification: Pathogenic for Hereditary cancer-predisposing syndrome. Last evaluated: 2019-03-06. Review status: criteria provided, single submitter. Criteria: Ambry Variant Classification Scheme 2023. Collection method: clinical testing. Allele origin: germline.
Comment: The c.1465delT pathogenic mutation, located in coding exon 9 of the BRCA2 gene, results from a deletion of one nucleotide at nucleotide position 1465, causing a translational frameshift with a predicted alternate stop codon (p.S489Lfs*20). This alteration is expected to result in loss of function by premature protein truncation or nonsense-mediated mRNA decay. As such, this alteration is interpreted as a disease-causing mutation.

Literature cited by the submitters: PubMed 20104584 (cited by Labcorp Genetics (formerly Invitae), Labcorp).